The following is an entry in ClinVar:

NM_024529.5(CDC73):c.473A>C (p.Glu158Ala)

Gene: CDC73 (cell division cycle 73; plus strand). Cytogenetic location: 1q31.2.
Variant type: single nucleotide variant.
Coding change: c.473A>C on transcript NM_024529.5 (MANE Select); coding-DNA position 473, A replaced by C.
Protein change: p.Glu158Ala; replaces glutamic acid 158 with alanine.
Molecular consequence: missense variant.
Genome position (GRCh38, 1-based): chr1:193,138,134, A>C. VCF-style: chr1-193138134-A-C. GRCh37 (hg19) VCF-style: chr1-193107264-A-C.
Other names: short protein forms E158A.
Identifiers: ClinVar variation 3227875 (VCV003227875.1), dbSNP rs2527317539, ClinGen allele CA343961216.

ClinVar aggregate classification (germline): Uncertain significance (1 of 4 stars; one submission).

Conditions:
Hereditary cancer-predisposing syndrome. Also called: Neoplastic Syndromes, Hereditary; Tumor predisposition; Hereditary neoplastic syndrome; Hereditary Cancer Syndrome. Identifiers: Orphanet 140162, MedGen C0027672, MeSH D009386, MONDO:0015356.

Submission:

Ambry Genetics
Classification: Uncertain significance for Hereditary cancer-predisposing syndrome. Last evaluated: 2022-06-04. Review status: criteria provided, single submitter. Criteria: Ambry Variant Classification Scheme 2023. Collection method: clinical testing. Allele origin: germline.
Comment: The p.E158A variant (also known as c.473A>C), located in coding exon 6 of the CDC73 gene, results from an A to C substitution at nucleotide position 473. The glutamic acid at codon 158 is replaced by alanine, an amino acid with dissimilar properties. This amino acid position is conserved. In addition, this alteration is predicted to be deleterious by in silico analysis. Since supporting evidence is limited at this time, the clinical significance of this alteration remains unclear.